The following is an entry in ClinVar:

ClinVar aggregate classification (germline): Uncertain significance (1 of 4 stars; one submission).

Conditions:
Werner syndrome (WRN). Identifiers: Orphanet 902, MedGen C0043119, MONDO:0010196, OMIM 277700.

Submission:

Labcorp Genetics (formerly Invitae), Labcorp
Classification: Uncertain significance for Werner syndrome. Last evaluated: 2022-04-04. Review status: criteria provided, single submitter. Criteria: Invitae Variant Classification Sherloc (09022015). Collection method: clinical testing. Allele origin: germline.
Comment: In summary, the available evidence is currently insufficient to determine the role of this variant in disease. Therefore, it has been classified as a Variant of Uncertain Significance. A similar copy number variant has been observed, in the homozygous state, in individual(s) with Werner syndrome (PMID: 20443122). This variant results in a copy number gain of the genomic region encompassing exon(s) 2-18 of the WRN gene. This region includes the initiator codon of the gene. This copy number gain extends beyond the assayed region for this gene and therefore may encompass additional genes. As the precise location of this event is unknown, it may be in tandem or it may be located elsewhere in the genome.

Literature cited by the submitters: PubMed 20443122.

NC_000008.10:g.(?_30915964)_(30958481_?)dup

Gene: WRN (WRN RecQ like helicase; plus strand). Cytogenetic location: 8p12.
Variant type: Duplication.
Identifiers: ClinVar variation 2423321 (VCV002423321.4).